The following is an entry in ClinVar:

NM_001111.5(ADAR):c.1569G>A (p.Met523Ile)

Gene: ADAR (adenosine deaminase RNA specific; minus strand). Cytogenetic location: 1q21.3.
Variant type: single nucleotide variant.
Coding change: c.1569G>A on transcript NM_001111.5 (MANE Select); coding-DNA position 1569, G replaced by A.
Protein change: p.Met523Ile; replaces methionine 523 with isoleucine.
Molecular consequence: missense variant.
Genome position (GRCh38, 1-based): chr1:154,601,073, C>T on the plus strand (G>A on the coding strand, the complement: ADAR is on the minus strand). VCF-style: chr1-154601073-C-T. GRCh37 (hg19) VCF-style: chr1-154573549-C-T.
Other names: c.684G>A, p.Met228Ile (NM_001365047.1, NM_001365048.1, NM_001365049.1 and 3 more transcripts); c.1569G>A, p.Met523Ile (NM_015840.4, NM_015841.4); c.1596G>A, p.Met532Ile (NM_001365045.1); short protein forms M523I, M228I, M532I.
Identifiers: ClinVar variation 2942888 (VCV002942888.3), dbSNP rs2526645172, ClinGen allele CA342595979.

ClinVar aggregate classification (germline): Uncertain significance (1 of 4 stars; one submission).

Conditions:
Symmetrical dyschromatosis of extremities (DSH). Also called: DYSCHROMATOSIS SYMMETRICA HEREDITARIA 1; RETICULATE ACROPIGMENTATION OF DOHI; SYMMETRIC DYSCHROMATOSIS OF THE EXTREMITIES; Dyschromatosis symmetrica hereditaria. Identifiers: Orphanet 41, MedGen C0406775, MONDO:0007483, OMIM 127400.
Aicardi-Goutieres syndrome 6 (AGS6). Identifiers: Orphanet 51, MedGen C3539013, MONDO:0014007, OMIM 615010.

gnomAD v4.1: 1 of 1,614,212 alleles (0.000062%); no homozygotes.

Submission:

Labcorp Genetics (formerly Invitae), Labcorp
Classification: Uncertain significance for Aicardi-Goutieres syndrome 6; Symmetrical dyschromatosis of extremities. Last evaluated: 2023-12-21. Review status: criteria provided, single submitter. Criteria: Invitae Variant Classification Sherloc (09022015). Collection method: clinical testing. Allele origin: germline.
Comment: This sequence change replaces methionine, which is neutral and non-polar, with isoleucine, which is neutral and non-polar, at codon 523 of the ADAR protein (p.Met523Ile). This variant is not present in population databases (gnomAD no frequency). This variant has not been reported in the literature in individuals affected with ADAR-related conditions. Advanced modeling of protein sequence and biophysical properties (such as structural, functional, and spatial information, amino acid conservation, physicochemical variation, residue mobility, and thermodynamic stability) performed at Invitae indicates that this missense variant is not expected to disrupt ADAR protein function with a negative predictive value of 80%. In summary, the available evidence is currently insufficient to determine the role of this variant in disease. Therefore, it has been classified as a Variant of Uncertain Significance.